The following is an entry in ClinVar:

ClinVar aggregate classification (germline): Pathogenic/Likely pathogenic. Review status: criteria provided, multiple submitters, no conflicts (2 of 4 stars). 14 submissions from 13 submitters: Pathogenic (10); Likely pathogenic (1). 3 of the submissions do not count toward it. Last evaluated 2026-05-11.

Conditions:
PEX2-related disorder. Also called: PEX2-related condition.
Zellweger spectrum disorders (ZS). Also called: Zellweger Spectrum Disorder; Zellweger Spectrum; Zellweger syndrome; Zellweger Spectrum Disorder (ZSD). Identifiers: Orphanet 912, MedGen C0043459, MONDO:0019609.
Peroxisome biogenesis disorder 5B (PBD5B). Identifiers: Orphanet 44, MedGen C3542026, MONDO:0013933, OMIM 614867.
Peroxisome biogenesis disorder 5A (Zellweger) (PBD5A). Identifiers: Orphanet 912, MedGen C3553940, MONDO:0013932, OMIM 614866.
Peroxisome biogenesis disorder. Identifiers: Orphanet 79189, MedGen C1832200, MONDO:0019234. Disease mechanism: loss of function.

Allele frequency attached by ClinVar (database versions not stated): 1000 Genomes Project 30x 0.00016; 1000 Genomes Project 0.00020; TOPMed 0.00009; gnomAD 0.00006; ExAC 0.00014.
gnomAD v4.1: 120 of 1,614,056 alleles (0.0074%); highest among the groups gnomAD compares: East Asian, 0.011%; no homozygotes.

Submissions (14):

PreventionGenetics, part of Exact Sciences
Classification: Pathogenic for PEX2-related condition. Last evaluated: 2026-05-11. Review status: criteria provided, single submitter. Criteria: ACMG Guidelines, 2015. Collection method: clinical testing. Allele origin: germline.
Comment: The PEX2 c.355C>T variant is predicted to result in premature protein termination (p.Arg119*). This variant has been reported in the homozygous and compound heterozygous states in several individuals with Zellweger syndrome (Ebberink et al. 2011. PubMed ID: 21031596; Shimozawa et al. 1999. PubMed: 10528859). This variant is reported in 0.24% of alleles in individuals of Ashkenazi Jewish descent in gnomAD. Nonsense variants in PEX2 are expected to be pathogenic. This variant is interpreted as pathogenic.

Labcorp Genetics (formerly Invitae), Labcorp
Classification: Pathogenic for Peroxisome biogenesis disorder 5A (Zellweger). Last evaluated: 2026-01-28. Review status: criteria provided, single submitter. Criteria: Invitae Variant Classification Sherloc (09022015). Collection method: clinical testing. Allele origin: germline.
Comment: This sequence change creates a premature translational stop signal (p.Arg119*) in the PEX2 gene. While this is not anticipated to result in nonsense mediated decay, it is expected to disrupt the last 187 amino acid(s) of the PEX2 protein. This variant is present in population databases (rs61752123, gnomAD 0.3%). This premature translational stop signal has been observed in individual(s) with Zellweger spectrum disorders (PMID: 1546315, 7681622, 9452066, 9585609, 10528859, 15542397, 21465523, 23430938). ClinVar contains an entry for this variant (Variation ID: 13704). For these reasons, this variant has been classified as Pathogenic.

Natera, Inc.
Classification: Pathogenic for Zellweger syndrome. Last evaluated: 2025-12-11. Review status: criteria provided, single submitter. Criteria: Natera Variant Classification Schema (03/2026). Collection method: clinical testing. Allele origin: germline.
Comment: The c.355C>T variant in PEX2 is a nonsense variant predicted to introduce a stop codon at amino acid 119. This variant is expected to result in nonsense mediated decay, truncation, or a dysfunctional protein product. This variant is rare in the general population with a frequency below the threshold expected for the associated phenotype(s). This variant has been observed in one or more individuals affected with the associated recessive disease, as either homozygous or compound heterozygous with a second variant (PMID: 10528859). Given the available evidence, this variant is classified as Pathogenic.

Revvity Omics, Revvity
Classification: Pathogenic. Last evaluated: 2025-07-02. Review status: criteria provided, single submitter. Criteria: ACMG Guidelines, 2015. Collection method: clinical testing. Allele origin: germline.

Fulgent Genetics
Classification: Pathogenic for Peroxisome biogenesis disorder 5A (Zellweger); Peroxisome biogenesis disorder 5B. Last evaluated: 2024-04-30. Review status: criteria provided, single submitter. Criteria: ACMG Guidelines, 2015. Collection method: clinical testing. Allele origin: germline.

Baylor Genetics
Classification: Pathogenic for Peroxisome biogenesis disorder 5A (Zellweger). Last evaluated: 2024-03-26. Review status: criteria provided, single submitter. Criteria: ACMG Guidelines, 2015. Collection method: clinical testing. Allele origin: unknown.

Blueprint Genetics
Classification: Pathogenic for PEX2-related disorders. Last evaluated: 2022-04-22. Review status: criteria provided, single submitter. Criteria: ACMG Guidelines, 2015. Collection method: clinical testing. Allele origin: germline. Affected: yes. Observed: 5 variant alleles.

AiLife Diagnostics
Classification: Pathogenic. Last evaluated: 2021-06-10. Review status: criteria provided, single submitter. Criteria: ACMG Guidelines, 2015. Collection method: clinical testing. Allele origin: germline. Affected: yes. Observed: 1 variant allele.

Myriad Genetics, Inc.
Classification: Pathogenic for Peroxisome biogenesis disorder 5A (Zellweger). Last evaluated: 2019-12-26. Review status: criteria provided, single submitter. Criteria: Myriad Women's Health Autosomal Recessive and X-Linked Classification Criteria (2019). Collection method: clinical testing. Allele origin: unknown.
Comment: NM_000318.2(PEX2):c.355C>T(R119*) is classified as pathogenic in the context of peroxisome biogenesis disorder type 5. Sources cited for classification include the following: PMID 15542397, 1546315 and 14630978. Classification of NM_000318.2(PEX2):c.355C>T(R119*) is based on the following criteria: The variant causes a premature termination codon that is not expected to be targeted by nonsense-mediated mRNA decay; however, literature evidence strongly supports pathogenicity. Please note: this variant was assessed in the context of healthy population screening.

Women's Health and Genetics/Laboratory Corporation of America, LabCorp
Classification: Pathogenic for Peroxisome biogenesis disorder. Last evaluated: 2017-03-31. Review status: criteria provided, single submitter. Criteria: LabCorp Variant Classification Summary - May 2015. Collection method: clinical testing. Allele origin: germline.
Comment: Variant summary: The PEX2 c.355C>T (p.Arg119X) variant results in a premature termination codon, predicted to cause a truncated or absent PEX2 protein due to nonsense mediated decay, which are commonly known mechanisms for disease. One in silico tool predicts a damaging outcome for this variant. This variant was found in the large control database ExAC and control cohorts in the literature at a frequency of 0.0002708 (34/125548 control chromosomes), which does not exceed the estimated maximal expected allele frequency of a pathogenic PEX2 variant (0.001118). Several publications have cited the variant in patients with diagnoses that are confirmed with standard biochemical tests. Additionally, a functional study demonstrated a lack of peroxisome formation via immunofluorescence in cultured fibroblasts of a patient who was homozygous for the variant of interest (Imamura_AJHG_1998). Furthermore, multiple clinical diagnostic laboratories/reputable databases classified this variant as pathogenic. Taken together, this variant is classified as pathogenic.

Juno Genomics, Hangzhou Juno Genomics, Inc
Classification: Likely pathogenic for Peroxisome biogenesis disorder 5A (Zellweger); Peroxisome biogenesis disorder 5B. Review status: criteria provided, single submitter. Criteria: ACMG Guidelines, 2015. Collection method: clinical testing. Allele origin: germline.
Comment: Absent from controls (or at extremely low frequency if recessive) in Genome Aggregation Database.;Null variant in a gene where loss of function (LOF) is a known mechanism of disease.;For recessive disorders, detected in trans with a pathogenic variant.;Patient's phenotype or family history is highly specific for a disease with a single genetic etiology.

Counsyl
Classification: Pathogenic for Peroxisome biogenesis disorder 5B. Last evaluated: 2016-08-16. Review status: no assertion criteria provided. Collection method: clinical testing. Allele origin: unknown. Not counted in ClinVar's aggregate classification.

OMIM
Classification: Pathogenic for PEROXISOME BIOGENESIS DISORDER 5A (ZELLWEGER). Last evaluated: 2014-04-01. Review status: no assertion criteria provided. Collection method: literature only. Allele origin: germline. Not counted in ClinVar's aggregate classification.

OMIM
Classification: Pathogenic for PEROXISOME BIOGENESIS DISORDER 5B. Last evaluated: 2014-04-01. Review status: no assertion criteria provided. Collection method: literature only. Allele origin: germline. Not counted in ClinVar's aggregate classification.

Literature cited by the submitters: PubMed 1546315 (cited by 5 submitters); PubMed 7681622 (cited by Labcorp Genetics (formerly Invitae), Labcorp); PubMed 9452066 (cited by Labcorp Genetics (formerly Invitae), Labcorp); PubMed 9585609 (cited by Labcorp Genetics (formerly Invitae), Labcorp and Women's Health and Genetics/Laboratory Corporation of America, LabCorp); PubMed 10528859 (cited by 4 submitters); PubMed 15542397 (cited by 3 submitters); PubMed 21465523 (cited by 3 submitters); PubMed 23430938 (cited by 3 submitters); PubMed 25333069 (cited by AiLife Diagnostics); PubMed 14630978 (cited by 4 submitters); PubMed 28089346 (cited by Women's Health and Genetics/Laboratory Corporation of America, LabCorp); PubMed 23829372 (cited by Women's Health and Genetics/Laboratory Corporation of America, LabCorp); Shimozawa, N., Masuno, M., Suzuki, Y., Orii, T., Imaizumi, K., Kuroki, T., Tsukamoto, T., Osumi, T., Fujiki, Y. A human gene of Zellweger syndrome is mapped to chromosome 8q21.1. (Abstract) Am. J. Hum. Genet. 53 (suppl.): A947, 1993. (cited by OMIM); PubMed 7541833 (cited by OMIM); Brul, S., Westerveld, A., Strijland, A., Wanders, R. J. A., Schram, A. W., Heymans, H. S. A., Schutgens, R. B. H., van den Bosch, H., Tager, J. M. Genetic heterogeneity in the cerebrohepatorenal (Zellweger) syndrome and other inherited disorders with a generalized impairment of peroxisomal functions: a study using complementation analysis. J. Clin. Invest. 81: 1710-1715, 1988. (cited by OMIM); PubMed 23590336 (cited by OMIM).

NM_000318.3(PEX2):c.355C>T (p.Arg119Ter)

Gene: PEX2 (peroxisomal biogenesis factor 2; minus strand). Cytogenetic location: 8q21.13.
Variant type: single nucleotide variant.
Coding change: c.355C>T on transcript NM_000318.3 (MANE Select); coding-DNA position 355, C replaced by T.
Protein change: p.Arg119Ter; replaces arginine 119 with a stop codon.
Molecular consequence: nonsense.
Genome position (GRCh38, 1-based): chr8:76,983,824, G>A on the plus strand (C>T on the coding strand, the complement: PEX2 is on the minus strand). VCF-style: chr8-76983824-G-A. GRCh37 (hg19) VCF-style: chr8-77896060-G-A.
Other names: R118*; PEX2, ARG118TER (rs61752123); c.355C>T, p.Arg119Ter (NM_001079867.2, NM_001172086.2, NM_001172087.2); c.355C>T (NM_001079867.1); short protein forms R119*.
Identifiers: ClinVar variation 13704 (VCV000013704.29), dbSNP rs61752123, ClinGen allele CA123377.